The following is an entry in ClinVar:

NM_004183.4(BEST1):c.901G>C (p.Asp301His)

Gene: BEST1 (bestrophin 1; plus strand). Cytogenetic location: 11q12.3.
Variant type: single nucleotide variant.
Coding change: c.901G>C on transcript NM_004183.4 (MANE Select); coding-DNA position 901, G replaced by C.
Protein change: p.Asp301His; replaces aspartic acid 301 with histidine.
Molecular consequence: missense variant. On other transcripts: non-coding transcript variant (1), intron variant (1).
Genome position (GRCh38, 1-based): chr11:61,959,531, G>C. VCF-style: chr11-61959531-G-C. GRCh37 (hg19) VCF-style: chr11-61727003-G-C.
Other names: c.1104G>C, p.Arg368Ser (NM_001363592.2); c.-72G>C (NM_001363593.3); c.688-361G>C (NM_001300786.2); c.721G>C, p.Asp241His (NM_001139443.3, NM_001300787.2); c.583G>C, p.Asp195His (NM_001363591.3); short protein forms D195H, D241H, D301H, R368S.
Identifiers: ClinVar variation 1708406 (VCV001708406.2), dbSNP rs281865259, ClinGen allele CA380843856.
Genomic context (GRCh38, chr11:61,959,531, plus strand): 5'-GTTTACAGAGCCTCACCTGTCCCCAAGGTGGCAGAGCAGCTCATCAACCCCTTTGGAGAG[G>C]ATGATGATGATTTTGAGACCAACTGGATTGTCGACAGGAATTTGCAGGTATGGGGAGAGG-3'
Protein context (NP_004174.1, residues 291-311): AEQLINPFGE[Asp301His]DDDFETNWIV

ClinVar aggregate classification (germline): Likely pathogenic (1 of 4 stars; one submission).

Conditions:
Vitelliform macular dystrophy 2. Also called: Best Macular Dystrophy; VITELLIFORM MACULAR DYSTROPHY, EARLY-ONSET; VITELLIFORM MACULAR DYSTROPHY, JUVENILE-ONSET; Best Vitelliform Macular Dystrophy (BVMD); MACULAR DEGENERATION, POLYMORPHIC VITELLINE; Best vitelliform macular dystrophy, multifocal. Identifiers: Orphanet 1243, MedGen C2745945, MONDO:0007931, OMIM 153700.

Submission:

Centre of Medical Genetics, University Hospital Muenster
Classification: Likely pathogenic for Vitelliform macular dystrophy 2. Last evaluated: 2022-07-29. Review status: criteria provided, single submitter. Criteria: ACMG Guidelines, 2015. Collection method: clinical testing. Allele origin: unknown. Affected: yes. Observed: 1 variant allele, 1 heterozygote.
Comment: ACMG categories: PM2,PM5,PP3,PP4